The following is an entry in ClinVar:

NM_001177316.2(SLC34A3):c.391C>G (p.Leu131Val)

Gene: SLC34A3 (solute carrier family 34 member 3; plus strand). Cytogenetic location: 9q34.3.
Variant type: single nucleotide variant.
Coding change: c.391C>G on transcript NM_001177316.2 (MANE Select); coding-DNA position 391, C replaced by G.
Protein change: p.Leu131Val; replaces leucine 131 with valine.
Molecular consequence: missense variant.
Genome position (GRCh38, 1-based): chr9:137,232,870, C>G. VCF-style: chr9-137232870-C-G. GRCh37 (hg19) VCF-style: chr9-140127322-C-G.
Other names: c.391C>G, p.Leu131Val (NM_001177317.2, NM_080877.3); short protein forms L131V.
Identifiers: ClinVar variation 1906561 (VCV001906561.5), dbSNP rs114724831, ClinGen allele CA5364364.

ClinVar aggregate classification (germline): Uncertain significance. Review status: criteria provided, multiple submitters, no conflicts (2 of 4 stars). 3 submissions from 3 submitters: Uncertain significance (3). Last evaluated 2024-11-05.

Conditions:
Inborn genetic diseases. Identifiers: MedGen C0950123, MeSH D030342.
Autosomal recessive hypophosphatemic bone disease (HHRH). Also called: Hypophosphatemic rickets with hypercalciuria; HYPERCALCIURIC RICKETS. Identifiers: Orphanet 157215, MedGen C1853271, MONDO:0009431, OMIM 241530.

gnomAD v4.1: 5 of 1,612,038 alleles (0.00031%); highest among the groups gnomAD compares: Non-Finnish European, 0.00042%; no homozygotes.

Submissions (3):

Labcorp Genetics (formerly Invitae), Labcorp
Classification: Uncertain significance. Last evaluated: 2024-11-05. Review status: criteria provided, single submitter. Criteria: Invitae Variant Classification Sherloc (09022015). Collection method: clinical testing. Allele origin: germline.
Comment: This sequence change replaces leucine, which is neutral and non-polar, with valine, which is neutral and non-polar, at codon 131 of the SLC34A3 protein (p.Leu131Val). This variant is present in population databases (rs114724831, gnomAD 0.004%). This variant has not been reported in the literature in individuals affected with SLC34A3-related conditions. ClinVar contains an entry for this variant (Variation ID: 1906561). Invitae Evidence Modeling of protein sequence and biophysical properties (such as structural, functional, and spatial information, amino acid conservation, physicochemical variation, residue mobility, and thermodynamic stability) indicates that this missense variant is not expected to disrupt SLC34A3 protein function with a negative predictive value of 80%. In summary, the available evidence is currently insufficient to determine the role of this variant in disease. Therefore, it has been classified as a Variant of Uncertain Significance.

Fulgent Genetics
Classification: Uncertain significance for Autosomal recessive hypophosphatemic bone disease. Last evaluated: 2024-05-23. Review status: criteria provided, single submitter. Criteria: ACMG Guidelines, 2015. Collection method: clinical testing. Allele origin: germline.

Ambry Genetics
Classification: Uncertain significance for Inborn genetic diseases. Last evaluated: 2021-07-06. Review status: criteria provided, single submitter. Criteria: Ambry Variant Classification Scheme 2023. Collection method: clinical testing. Allele origin: germline.